The following is an entry in ClinVar:

NM_001854.4(COL11A1):c.2729G>A (p.Gly910Asp)

Gene: COL11A1 (collagen type XI alpha 1 chain; minus strand). Cytogenetic location: 1p21.1.
Variant type: single nucleotide variant.
Coding change: c.2729G>A on transcript NM_001854.4 (MANE Select); coding-DNA position 2729, G replaced by A.
Protein change: p.Gly910Asp; replaces glycine 910 with aspartic acid.
Molecular consequence: missense variant. On other transcripts: non-coding transcript variant (1).
Genome position (GRCh38, 1-based): chr1:102,978,733, C>T on the plus strand (G>A on the coding strand, the complement: COL11A1 is on the minus strand). VCF-style: chr1-102978733-C-T. GRCh37 (hg19) VCF-style: chr1-103444289-C-T.
Other names: c.2612G>A, p.Gly871Asp (NM_001190709.2); c.2765G>A, p.Gly922Asp (NM_080629.3); c.2381G>A, p.Gly794Asp (NM_080630.4); short protein forms G922D, G794D, G910D, G871D.
Identifiers: ClinVar variation 1375615 (VCV001375615.8), dbSNP rs2101679057, ClinGen allele CA341162952.

ClinVar aggregate classification (germline): Uncertain significance (1 of 4 stars; one submission).

Submission:

Labcorp Genetics (formerly Invitae), Labcorp
Classification: Uncertain significance. Last evaluated: 2021-06-15. Review status: criteria provided, single submitter. Criteria: Invitae Variant Classification Sherloc (09022015). Collection method: clinical testing. Allele origin: germline.
Comment: This sequence change replaces glycine with aspartic acid at codon 910 of the COL11A1 protein (p.Gly910Asp). The glycine residue is highly conserved and there is a moderate physicochemical difference between glycine and aspartic acid. This variant is not present in population databases (ExAC no frequency). This variant has not been reported in the literature in individuals with COL11A1-related conditions. Advanced modeling of protein sequence and biophysical properties (such as structural, functional, and spatial information, amino acid conservation, physicochemical variation, residue mobility, and thermodynamic stability) performed at Invitae indicates that this missense variant is expected to disrupt COL11A1 protein function. In summary, the available evidence is currently insufficient to determine the role of this variant in disease. Therefore, it has been classified as a Variant of Uncertain Significance.